The following is an entry in ClinVar:

ClinVar aggregate classification (germline): Uncertain significance (1 of 4 stars; one submission).

Conditions:
Tuberous sclerosis 2 (TSC2). Identifiers: Orphanet 805, MedGen C1860707, MONDO:0013199, OMIM 613254.

Allele frequency attached by ClinVar (database versions not stated): TOPMed below 0.00001.

Submission:

Labcorp Genetics (formerly Invitae), Labcorp
Classification: Uncertain significance for Tuberous sclerosis 2. Last evaluated: 2022-06-03. Review status: criteria provided, single submitter. Criteria: Invitae Variant Classification Sherloc (09022015). Collection method: clinical testing. Allele origin: germline.
Comment: This sequence change replaces serine, which is neutral and polar, with isoleucine, which is neutral and non-polar, at codon 660 of the TSC2 protein (p.Ser660Ile). This variant is not present in population databases (gnomAD no frequency). This variant has not been reported in the literature in individuals affected with TSC2-related conditions. ClinVar contains an entry for this variant (Variation ID: 1488061). Advanced modeling of protein sequence and biophysical properties (such as structural, functional, and spatial information, amino acid conservation, physicochemical variation, residue mobility, and thermodynamic stability) performed at Invitae indicates that this missense variant is not expected to disrupt TSC2 protein function. In summary, the available evidence is currently insufficient to determine the role of this variant in disease. Therefore, it has been classified as a Variant of Uncertain Significance.

NM_000548.5(TSC2):c.1979G>T (p.Ser660Ile)

Gene: TSC2 (TSC complex subunit 2; plus strand). Cytogenetic location: 16p13.3.
Variant type: single nucleotide variant.
Coding change: c.1979G>T on transcript NM_000548.5 (MANE Select); coding-DNA position 1979, G replaced by T.
Protein change: p.Ser660Ile; replaces serine 660 with isoleucine.
Molecular consequence: missense variant.
Genome position (GRCh38, 1-based): chr16:2,071,816, G>T. VCF-style: chr16-2071816-G-T. GRCh37 (hg19) VCF-style: chr16-2121817-G-T.
Other names: c.1979G>T, p.Ser660Ile (NM_001370404.1, NM_001370405.1, NM_021055.3 and 3 more transcripts); c.1868G>T, p.Ser623Ile (NM_001318827.2); c.1832G>T, p.Ser611Ile (NM_001318829.2); c.1379G>T, p.Ser460Ile (NM_001318831.2); c.2012G>T, p.Ser671Ile (NM_001318832.2); short protein forms S671I, S460I, S611I, S623I, S660I.
Identifiers: ClinVar variation 1488061 (VCV001488061.8), dbSNP rs754504918, ClinGen allele CA394274369.